The following is an entry in ClinVar:

ClinVar aggregate classification (germline): Conflicting classifications of pathogenicity. Review status: criteria provided, conflicting classifications (1 of 4 stars). 3 submissions from 3 submitters: Uncertain significance (1); Likely benign (1). 1 of the submissions does not count toward it. Last evaluated 2025-07-04.

Conditions:
POLR1C-related disorder. Also called: POLR1C-related condition; POLR1C-related disorders. Identifiers: MedGen CN239394, MONDO:0700278.
Treacher Collins syndrome 3 (TCS3). Also called: POLR1C-Related Treacher Collins Syndrome. Identifiers: Orphanet 861, MedGen C1855433, MONDO:0009558, OMIM 248390.

Allele frequency attached by ClinVar (database versions not stated): gnomAD exomes 0.00004 and 0.00010; ExAC 0.00013; 1000 Genomes Project 0.00020; 1000 Genomes Project 30x 0.00031; ESP Exome Variant Server 0.00038; gnomAD 0.00049 and 0.00055; TOPMed 0.00051.
gnomAD v4.1: 132 of 1,613,398 alleles (0.0082%); highest among the groups gnomAD compares: African/African-American, 0.16%; no homozygotes.

Submissions (3):

Labcorp Genetics (formerly Invitae), Labcorp
Classification: Likely benign. Last evaluated: 2025-07-04. Review status: criteria provided, single submitter. Criteria: Invitae Variant Classification Sherloc (09022015). Collection method: clinical testing. Allele origin: germline.

Illumina Laboratory Services, Illumina
Classification: Uncertain significance for Treacher Collins syndrome 3. Last evaluated: 2018-01-12. Review status: criteria provided, single submitter. Criteria: ICSL Variant Classification Criteria 13 December 2019. Collection method: clinical testing. Allele origin: germline.

PreventionGenetics, part of Exact Sciences
Classification: Likely benign for POLR1C-related condition. Last evaluated: 2023-05-31. Review status: no assertion criteria provided. Collection method: clinical testing. Allele origin: germline. Not counted in ClinVar's aggregate classification.
Comment: This variant is classified as likely benign based on ACMG/AMP sequence variant interpretation guidelines (Richards et al. 2015 PMID: 25741868, with internal and published modifications).

NM_203290.4(POLR1C):c.561G>A (p.Glu187=)

Gene: POLR1C (RNA polymerase I and III subunit C; plus strand). Cytogenetic location: 6p21.1.
Variant type: single nucleotide variant.
Coding change: c.561G>A on transcript NM_203290.4 (MANE Select); coding-DNA position 561, G replaced by A.
Protein change: p.Glu187=; no amino-acid change (glutamic acid 187 retained).
Molecular consequence: synonymous variant.
Genome position (GRCh38, 1-based): chr6:43,520,333, G>A. VCF-style: chr6-43520333-G-A. GRCh37 (hg19) VCF-style: chr6-43488071-G-A.
Other names: c.561G>A, p.Glu187= (NM_001318876.2, NM_001363658.2).
Identifiers: ClinVar variation 356876 (VCV000356876.15), dbSNP rs145813943, ClinGen allele CA3825487.